The following is an entry in ClinVar:

NM_001447.3(FAT2):c.3945G>A (p.Thr1315=)

Genes: FAT2 (FAT atypical cadherin 2; minus strand), SLC36A1 (solute carrier family 36 member 1; plus strand). Cytogenetic location: 5q33.1.
Variant type: single nucleotide variant.
Coding change: c.3945G>A on transcript NM_001447.3 (MANE Select); coding-DNA position 3945, G replaced by A.
Protein change: p.Thr1315=; no amino-acid change (threonine 1315 retained).
Molecular consequence: synonymous variant.
Genome position (GRCh38, 1-based): chr5:151,554,362, C>T on the plus strand (G>A on the coding strand, the complement: FAT2 is on the minus strand). VCF-style: chr5-151554362-C-T. GRCh37 (hg19) VCF-style: chr5-150933923-C-T.
Identifiers: ClinVar variation 2984390 (VCV002984390.3), dbSNP rs1449193613, ClinGen allele CA447224546.

ClinVar aggregate classification (germline): Uncertain significance (1 of 4 stars; one submission).

Allele frequency attached by ClinVar (database versions not stated): gnomAD exomes below 0.00001.
gnomAD v4.1: 4 of 1,612,226 alleles (0.00025%); highest among the groups gnomAD compares: East Asian, 0.0022%; no homozygotes.

Submission:

Labcorp Genetics (formerly Invitae), Labcorp
Classification: Uncertain significance. Last evaluated: 2023-01-21. Review status: criteria provided, single submitter. Criteria: Invitae Variant Classification Sherloc (09022015). Collection method: clinical testing. Allele origin: germline.
Comment: This variant is not present in population databases (gnomAD no frequency). In summary, the available evidence is currently insufficient to determine the role of this variant in disease. Therefore, it has been classified as a Variant of Uncertain Significance. Variants that disrupt the consensus splice site are a relatively common cause of aberrant splicing (PMID: 17576681, 9536098). Algorithms developed to predict the effect of sequence changes on RNA splicing suggest that this variant may disrupt the consensus splice site. This variant has not been reported in the literature in individuals affected with FAT2-related conditions. This sequence change affects codon 1315 of the FAT2 mRNA. It is a 'silent' change, meaning that it does not change the encoded amino acid sequence of the FAT2 protein. This variant also falls at the last nucleotide of exon 4, which is part of the consensus splice site for this exon.

Literature cited by the submitters: PubMed 17576681; PubMed 9536098.